The following is an entry in ClinVar:

ClinVar aggregate classification (germline): Uncertain significance (1 of 4 stars; one submission).

Conditions:
TPP1-related disorder. Also called: TPP1-related condition.

Submission:

3billion
Classification: Uncertain significance for TPP1-related disorder. Last evaluated: 2025-07-25. Review status: criteria provided, single submitter. Criteria: ACMG Guidelines, 2015. Collection method: clinical testing. Allele origin: germline. Affected: yes.
Comment: The variant is not observed in the gnomAD v4.1.0 dataset. Predicted Consequence/Location: Missense variant In silico tool predictions suggest damaging effect of the variant on gene or gene product [REVEL: 0.91 (>=0.6, sensitivity 0.68 and specificity 0.92)]. Therefore, this variant is classified as VUS according to the recommendation of ACMG/AMP guideline.

NM_000391.4(TPP1):c.1646G>C (p.Gly549Ala)

Gene: TPP1 (tripeptidyl peptidase 1; minus strand). Cytogenetic location: 11p15.4.
Variant type: single nucleotide variant.
Coding change: c.1646G>C on transcript NM_000391.4 (MANE Select); coding-DNA position 1646, G replaced by C.
Protein change: p.Gly549Ala; replaces glycine 549 with alanine.
Molecular consequence: missense variant.
Genome position (GRCh38, 1-based): chr11:6,614,592, C>G on the plus strand (G>C on the coding strand, the complement: TPP1 is on the minus strand). VCF-style: chr11-6614592-C-G. GRCh37 (hg19) VCF-style: chr11-6635823-C-G.
Other names: short protein forms G549A.
Identifiers: ClinVar variation 4856209 (VCV004856209.1).